The following is an entry in ClinVar:

NM_015311.3(OBSL1):c.3428C>T (p.Ala1143Val)

Gene: OBSL1 (obscurin like cytoskeletal adaptor 1; minus strand). Cytogenetic location: 2q35.
Variant type: single nucleotide variant.
Coding change: c.3428C>T on transcript NM_015311.3 (MANE Select); coding-DNA position 3428, C replaced by T.
Protein change: p.Ala1143Val; replaces alanine 1143 with valine.
Molecular consequence: missense variant.
Genome position (GRCh38, 1-based): chr2:219,558,258, G>A on the plus strand (C>T on the coding strand, the complement: OBSL1 is on the minus strand). VCF-style: chr2-219558258-G-A. GRCh37 (hg19) VCF-style: chr2-220422980-G-A.
Other names: c.3428C>T, p.Ala1143Val (NM_001173431.2); short protein forms A1143V.
Identifiers: ClinVar variation 2112432 (VCV002112432.4), dbSNP rs2106039050, ClinGen allele CA350737213.

ClinVar aggregate classification (germline): Uncertain significance (1 of 4 stars; one submission).

Allele frequency attached by ClinVar (database versions not stated): gnomAD exomes below 0.00001.
gnomAD v4.1: 2 of 1,610,802 alleles (0.00012%); highest among the groups gnomAD compares: Non-Finnish European, 0.00017%; no homozygotes.

Submission:

Labcorp Genetics (formerly Invitae), Labcorp
Classification: Uncertain significance. Last evaluated: 2022-03-15. Review status: criteria provided, single submitter. Criteria: Invitae Variant Classification Sherloc (09022015). Collection method: clinical testing. Allele origin: germline.
Comment: In summary, the available evidence is currently insufficient to determine the role of this variant in disease. Therefore, it has been classified as a Variant of Uncertain Significance. Algorithms developed to predict the effect of missense changes on protein structure and function are either unavailable or do not agree on the potential impact of this missense change (SIFT: "Tolerated"; PolyPhen-2: "Probably Damaging"; Align-GVGD: "Class C0"). This variant has not been reported in the literature in individuals affected with OBSL1-related conditions. This variant is not present in population databases (gnomAD no frequency). This sequence change replaces alanine, which is neutral and non-polar, with valine, which is neutral and non-polar, at codon 1143 of the OBSL1 protein (p.Ala1143Val).